The following is an entry in ClinVar:

ClinVar aggregate classification (germline): Uncertain significance. Review status: criteria provided, multiple submitters, no conflicts (2 of 4 stars). 4 submissions from 4 submitters: Uncertain significance (4). Last evaluated 2026-02-26.

Conditions:
MYO7A-related disorder. Also called: MYO7A-related disorders.

Submissions (4):

PreventionGenetics, part of Exact Sciences
Classification: Uncertain significance for MYO7A-related condition. Last evaluated: 2026-02-26. Review status: criteria provided, single submitter. Criteria: ACMG Guidelines, 2015. Collection method: clinical testing. Allele origin: germline.
Comment: The MYO7A c.4246_4248delinsCAA variant is predicted to result in an in-frame deletion and insertion. To our knowledge, this variant has not been reported in the literature or in a large population database (gnomAD), indicating this variant is rare. At this time, the clinical significance of this variant is uncertain due to the absence of conclusive functional and genetic evidence.

Labcorp Genetics (formerly Invitae), Labcorp
Classification: Uncertain significance. Last evaluated: 2026-01-13. Review status: criteria provided, single submitter. Criteria: Invitae Variant Classification Sherloc (09022015). Collection method: clinical testing. Allele origin: germline.
Comment: This sequence change replaces tyrosine, which is neutral and polar, with glutamine, which is neutral and polar, at codon 1416 of the MYO7A protein (p.Tyr1416Gln). Information on the frequency of this variant in the gnomAD database is not available, as this variant may be reported differently in the database. This variant has not been reported in the literature in individuals affected with MYO7A-related conditions. Experimental studies and prediction algorithms are not available or were not evaluated, and the functional significance of this variant is currently unknown. In summary, the available evidence is currently insufficient to determine the role of this variant in disease. Therefore, it has been classified as a Variant of Uncertain Significance.

GeneDx
Classification: Uncertain significance. Last evaluated: 2025-06-13. Review status: criteria provided, single submitter. Criteria: GeneDx Variant Classification Process June 2021. Collection method: clinical testing. Allele origin: germline. Affected: yes.
Comment: In silico analysis supports a deleterious effect on protein structure/function; Has not been previously published as pathogenic or benign to our knowledge

Revvity Omics, Revvity
Classification: Uncertain significance. Last evaluated: 2022-04-07. Review status: criteria provided, single submitter. Criteria: ACMG Guidelines, 2015. Collection method: clinical testing. Allele origin: germline.

NM_000260.4(MYO7A):c.4246_4248delinsCAA (p.Tyr1416Gln)

Gene: MYO7A (myosin VIIA; plus strand). Cytogenetic location: 11q13.5.
Variant type: Indel.
Coding change: c.4246_4248delinsCAA on transcript NM_000260.4 (MANE Select); coding-DNA positions 4246 to 4248, TAC replaced by CAA.
Protein change: p.Tyr1416Gln; replaces tyrosine 1416 with glutamine.
Molecular consequence: missense variant.
Genome position (GRCh38, 1-based): chr11:77,194,447-77,194,449, TAC replaced by CAA. VCF-style: chr11-77194447-TAC-CAA. GRCh37 (hg19) VCF-style: chr11-76905492-TAC-CAA.
Other names: c.4246_4248delinsCAA, p.Tyr1416Gln (NM_001127180.2); c.4213_4215delinsCAA, p.Tyr1405Gln (NM_001369365.1); c.4246_4248delinsCAA (NM_000260.3); short protein forms Y1405Q, Y1416Q.
Identifiers: ClinVar variation 2433975 (VCV002433975.6), dbSNP rs2497491001, ClinGen allele CA2580085026.